The following is an entry in ClinVar:

ClinVar aggregate classification (germline): Likely benign. Review status: criteria provided, multiple submitters, no conflicts (2 of 4 stars). 2 submissions from 2 submitters: Likely benign (2). Last evaluated 2025-07-21.

Conditions:
Marfan syndrome (MFS). Also called: MARFAN SYNDROME, TYPE I; Marfan syndrome type 1; Marfan's syndrome; Marfan syndrome, classic; FBN1-Related Marfan Syndrome. Identifiers: Orphanet 284963, Orphanet 558, MedGen C0024796, MONDO:0007947, OMIM 154700.
Familial thoracic aortic aneurysm and aortic dissection (TAAD). Also called: Thoracic aortic aneurysms and dissections. Identifiers: Orphanet 91387, MedGen C4707243, MONDO:0019625.

gnomAD v4.1: 2 of 1,613,850 alleles (0.00012%); highest among the groups gnomAD compares: African/African-American, 0.0013%; no homozygotes.

Submissions (2):

Labcorp Genetics (formerly Invitae), Labcorp
Classification: Likely benign for Marfan syndrome; Familial thoracic aortic aneurysm and aortic dissection. Last evaluated: 2025-07-21. Review status: criteria provided, single submitter. Criteria: Invitae Variant Classification Sherloc (09022015). Collection method: clinical testing. Allele origin: germline.

Women's Health and Genetics/Laboratory Corporation of America, LabCorp
Classification: Likely benign. Last evaluated: 2025-01-08. Review status: criteria provided, single submitter. Criteria: LabCorp Variant Classification Summary - May 2015. Collection method: clinical testing. Allele origin: germline.
Comment: Variant summary: FBN1 c.539-10T>C alters a non-conserved nucleotide located at a position not widely known to affect splicing. Consensus agreement among computation tools (TrAP) predict no significant impact on normal splicing. However, these predictions have yet to be confirmed by functional studies. The variant allele was found at a frequency of 4e-06 in 250722 control chromosomes. The available data on variant occurrences in the general population are insufficient to allow any conclusion about variant significance. To our knowledge, no occurrence of c.539-10T>C in individuals affected with FBN1-related conditions and no experimental evidence demonstrating its impact on protein function have been reported. No submitters have cited clinical-significance assessments for this variant to ClinVar. Based on the evidence outlined above, the variant was classified as likely benign.

NM_000138.5(FBN1):c.539-10T>C

Gene: FBN1 (fibrillin 1; minus strand). Cytogenetic location: 15q21.1.
Variant type: single nucleotide variant.
Coding change: c.539-10T>C on transcript NM_000138.5 (MANE Select); 10 bases into the intron before coding-DNA position 539, T replaced by C.
Molecular consequence: intron variant.
Genome position (GRCh38, 1-based): chr15:48,537,818, A>G on the plus strand (T>C on the coding strand, the complement: FBN1 is on the minus strand). VCF-style: chr15-48537818-A-G. GRCh37 (hg19) VCF-style: chr15-48830015-A-G.
Other names: c.539-10T>C (NM_001406716.1, NM_001406717.1).
Identifiers: ClinVar variation 3760831 (VCV003760831.4).
Genomic context (GRCh38, chr15:48,537,818, plus strand): 5'-CCTGGCACATCTGGTTGCTGATCACAGTAAAACATGGGCCTGTCCTGTAATCTGAAAATA[A>G]AGAATAAAAATCTGATGAAAATCCAGAAAAGCAGGAACCATCATGCAGAGGAACAGCTGT-3'